The following is an entry in ClinVar:

NM_018127.7(ELAC2):c.1960G>C (p.Val654Leu)

Gene: ELAC2 (elaC ribonuclease Z 2; minus strand). Cytogenetic location: 17p12.
Variant type: single nucleotide variant.
Coding change: c.1960G>C on transcript NM_018127.7 (MANE Select); coding-DNA position 1960, G replaced by C.
Protein change: p.Val654Leu; replaces valine 654 with leucine.
Molecular consequence: missense variant.
Genome position (GRCh38, 1-based): chr17:12,994,833, C>G on the plus strand (G>C on the coding strand, the complement: ELAC2 is on the minus strand). VCF-style: chr17-12994833-C-G. GRCh37 (hg19) VCF-style: chr17-12898150-C-G.
Other names: c.1840G>C, p.Val614Leu (NM_001165962.2); c.1957G>C, p.Val653Leu (NM_173717.2); short protein forms V654L, V614L, V653L.
Identifiers: ClinVar variation 3655064 (VCV003655064.2).

ClinVar aggregate classification (germline): Uncertain significance (1 of 4 stars; one submission).

Conditions:
Combined oxidative phosphorylation defect type 17. Also called: Combined oxidative phosphorylation deficiency 17. Identifiers: Orphanet 369913, MedGen C3809526, MONDO:0014190, OMIM 615440.

gnomAD v4.1: 1 of 1,614,080 alleles (0.000062%); highest among the groups gnomAD compares: South Asian, 0.0011%; no homozygotes.

Submission:

Labcorp Genetics (formerly Invitae), Labcorp
Classification: Uncertain significance for Combined oxidative phosphorylation defect type 17. Last evaluated: 2024-06-05. Review status: criteria provided, single submitter. Criteria: Invitae Variant Classification Sherloc (09022015). Collection method: clinical testing. Allele origin: germline.
Comment: This sequence change replaces valine, which is neutral and non-polar, with leucine, which is neutral and non-polar, at codon 654 of the ELAC2 protein (p.Val654Leu). This variant is not present in population databases (gnomAD no frequency). This variant has not been reported in the literature in individuals affected with ELAC2-related conditions. Advanced modeling of protein sequence and biophysical properties (such as structural, functional, and spatial information, amino acid conservation, physicochemical variation, residue mobility, and thermodynamic stability) performed at Invitae indicates that this missense variant is not expected to disrupt ELAC2 protein function with a negative predictive value of 80%. In summary, the available evidence is currently insufficient to determine the role of this variant in disease. Therefore, it has been classified as a Variant of Uncertain Significance.